The following is an entry in ClinVar:

NM_020117.11(LARS1):c.748G>A (p.Asp250Asn)

Gene: LARS1 (leucyl-tRNA synthetase 1; minus strand). Cytogenetic location: 5q32.
Variant type: single nucleotide variant.
Coding change: c.748G>A on transcript NM_020117.11 (MANE Select); coding-DNA position 748, G replaced by A.
Protein change: p.Asp250Asn; replaces aspartic acid 250 with asparagine.
Molecular consequence: missense variant.
Genome position (GRCh38, 1-based): chr5:146,159,430, C>T on the plus strand (G>A on the coding strand, the complement: LARS1 is on the minus strand). VCF-style: chr5-146159430-C-T. GRCh37 (hg19) VCF-style: chr5-145538993-C-T.
Other names: c.610G>A, p.Asp204Asn (NM_001317964.2); c.586G>A, p.Asp196Asn (NM_001317965.2); c.667G>A, p.Asp223Asn (NM_016460.4); short protein forms D196N, D204N, D223N, D250N.
Identifiers: ClinVar variation 2663736 (VCV002663736.2), dbSNP rs2532930646, ClinGen allele CA361613767.

ClinVar aggregate classification (germline): Uncertain significance (1 of 4 stars; one submission).

Submission:

GeneDx
Classification: Uncertain significance. Last evaluated: 2026-06-15. Review status: criteria provided, single submitter. Criteria: GeneDx Variant Classification Process June 2021. Collection method: clinical testing. Allele origin: germline.
Comment: Not observed at significant frequency in large population cohorts (gnomAD); In silico analysis supports that this missense variant has a deleterious effect on protein structure/function; Has not been previously published as pathogenic or benign to our knowledge